The following is an entry in ClinVar:

NM_000138.5(FBN1):c.505A>G (p.Thr169Ala)

Gene: FBN1 (fibrillin 1; minus strand). Cytogenetic location: 15q21.1.
Variant type: single nucleotide variant.
Coding change: c.505A>G on transcript NM_000138.5 (MANE Select); coding-DNA position 505, A replaced by G.
Protein change: p.Thr169Ala; replaces threonine 169 with alanine.
Molecular consequence: missense variant.
Genome position (GRCh38, 1-based): chr15:48,596,316, T>C on the plus strand (A>G on the coding strand, the complement: FBN1 is on the minus strand). VCF-style: chr15-48596316-T-C. GRCh37 (hg19) VCF-style: chr15-48888513-T-C.
Other names: c.505A>G, p.Thr169Ala (NM_001406716.1, NM_001406717.1); short protein forms T169A.
Identifiers: ClinVar variation 4293456 (VCV004293456.1).
Genomic context (GRCh38, chr15:48,596,316, plus strand): 5'-TACGTAAATGATTTTAAAAACCATTACCTCTTTCACACTGGGGTCCAGTAAATCCGTAAG[T>C]GCATGCACATCGATTTGGGGCCACACACCTTCCTCCATTGAGACAGCCACTTTCACAAAC-3'
Protein context (NP_000129.3, residues 159-179): RCVAPNRCAC[Thr169Ala]YGFTGPQCER

ClinVar aggregate classification (germline): Uncertain significance (1 of 4 stars; one submission).

Conditions:
Marfan syndrome (MFS). Also called: MARFAN SYNDROME, TYPE I; Marfan syndrome type 1; Marfan's syndrome; Marfan syndrome, classic; FBN1-Related Marfan Syndrome. Identifiers: Orphanet 284963, Orphanet 558, MedGen C0024796, MONDO:0007947, OMIM 154700.

gnomAD v4.1: 1 of 1,614,036 alleles (0.000062%); highest among the groups gnomAD compares: Non-Finnish European, 0.000085%; no homozygotes.

Submission:

3billion
Classification: Uncertain significance for Marfan syndrome. Last evaluated: 2025-02-20. Review status: criteria provided, single submitter. Criteria: ACMG Guidelines, 2015. Collection method: clinical testing. Allele origin: germline. Affected: yes.
Comment: The variant is observed at an extremely low frequency in the gnomAD v4.1.0 dataset (total allele frequency: <0.001%). Predicted Consequence/Location: Missense variant In silico tool predictions suggest damaging effect of the variant on gene or gene product [3Cnet: 0.81 (>=0.6, sensitivity 0.72 and precision 0.9)]. Therefore, this variant is classified as VUS according to the recommendation of ACMG/AMP guideline.